The following is an entry in ClinVar:

ClinVar aggregate classification (germline): Likely pathogenic (1 of 4 stars; one submission).

Conditions:
Acute infantile liver failure due to synthesis defect of mtDNA-encoded proteins. Also called: Liver failure acute infantile; LIVER FAILURE, INFANTILE, TRANSIENT; TRMU Deficiency. Identifiers: Orphanet 217371, MedGen C3278664, MONDO:0013111, OMIM 613070.

Submission:

Natera, Inc.
Classification: Likely pathogenic for Acute infantile liver failure due to synthesis defect of mtDNA-encoded proteins. Last evaluated: 2024-10-19. Review status: criteria provided, single submitter. Criteria: Natera Variant Classification Schema (03/2026). Collection method: clinical testing. Allele origin: germline.
Comment: The c.874-2A>C variant in TRMU is a canonical splice acceptor site variant predicted to affect pre-mRNA splicing, which may result in an abnormal transcript and altered protein product. This variant is expected to result in nonsense mediated decay, truncation, or a dysfunctional protein product. This variant is rare in the general population with a frequency below the threshold expected for the associated phenotype(s). Given the available evidence, this variant is classified as Likely Pathogenic.

NM_018006.5(TRMU):c.874-2A>C

Gene: TRMU (tRNA mitochondrial 2-thiouridylase; plus strand). Cytogenetic location: 22q13.31.
Variant type: single nucleotide variant.
Coding change: c.874-2A>C on transcript NM_018006.5 (MANE Select); the canonical splice acceptor site of the intron before coding-DNA position 874, A replaced by C.
Molecular consequence: splice acceptor variant.
Genome position (GRCh38, 1-based): chr22:46,355,442, A>C. VCF-style: chr22-46355442-A-C. GRCh37 (hg19) VCF-style: chr22-46751339-A-C.
Other names: c.874-2A>C (NM_001282785.2); c.532-2A>C (NM_001282782.2); c.454-2A>C (NM_001282783.2, NM_001282784.2).
Identifiers: ClinVar variation 4816005 (VCV004816005.1).